The following is an entry in ClinVar:

ClinVar aggregate classification (germline): Benign/Likely benign. Review status: criteria provided, multiple submitters, no conflicts (2 of 4 stars). 2 submissions from 2 submitters: Benign (1); Likely benign (1). Last evaluated 2025-01-21.

Conditions:
Familial cancer of breast. Also called: hereditary breast carcinoma; Hereditary breast cancer; BREAST CANCER, FAMILIAL. Identifiers: Orphanet 227535, MedGen C0346153, MONDO:0016419, OMIM 114480. Disease mechanism: loss of function.

Submissions (2):

Myriad Genetics, Inc.
Classification: Benign for Familial cancer of breast. Last evaluated: 2025-01-21. Review status: criteria provided, single submitter. Criteria: Myriad Autosomal Dominant, Autosomal Recessive and X-Linked Classification Criteria (2023). Collection method: clinical testing. Allele origin: unknown.
Comment: This variant is considered benign. This variant is a silent/synonymous amino acid change and it is not expected to impact splicing.

Labcorp Genetics (formerly Invitae), Labcorp
Classification: Likely benign for Familial cancer of breast. Last evaluated: 2024-04-25. Review status: criteria provided, single submitter. Criteria: Invitae Variant Classification Sherloc (09022015). Collection method: clinical testing. Allele origin: germline.

NM_024675.4(PALB2):c.3051T>G (p.Ala1017=)

Gene: PALB2 (partner and localizer of BRCA2; minus strand). Cytogenetic location: 16p12.2.
Variant type: single nucleotide variant.
Coding change: c.3051T>G on transcript NM_024675.4 (MANE Select); coding-DNA position 3051, T replaced by G.
Protein change: p.Ala1017=; no amino-acid change (alanine 1017 retained).
Molecular consequence: synonymous variant. On other transcripts: intron variant (1).
Genome position (GRCh38, 1-based): chr16:23,621,424, A>C on the plus strand (T>G on the coding strand, the complement: PALB2 is on the minus strand). VCF-style: chr16-23621424-A-C. GRCh37 (hg19) VCF-style: chr16-23632745-A-C.
Other names: c.2991T>G, p.Ala997= (NM_001407296.1); c.2979T>G, p.Ala993= (NM_001407297.1); c.2889T>G, p.Ala963= (NM_001407298.1, NM_001407302.1); c.3051T>G, p.Ala1017= (NM_001407299.1, NM_001407301.1); c.2166T>G, p.Ala722= (NM_001407304.1, NM_001407305.1, NM_001407306.1 and 4 more transcripts); c.2004T>G, p.Ala668= (NM_001407307.1); c.1263T>G, p.Ala421= (NM_001407312.1, NM_001407313.1); c.585T>G, p.Ala195= (NM_001407314.1); and 1 more.
Identifiers: ClinVar variation 3002247 (VCV003002247.4), dbSNP rs774535249, ClinGen allele CA494180166.
Genomic context (GRCh38, chr16:23,621,424, plus strand): 5'-AATAACAATGTTGTTCATAATAGTAGTACCAAGCAGAGCTTCTTGCATCCCTTGGACCTC[A>C]GCAAAAGTTAGTATAGTCTCCTCAGGGGGCATCAAAAATTGGTTTTCTTTGCCTCTGTAA-3'
Protein context (NP_078951.2, residues 1007-1027): MPPEETILTF[Ala1017=]EVQGMQEALL